The following is an entry in ClinVar:

ClinVar aggregate classification (germline): Likely benign. Review status: criteria provided, multiple submitters, no conflicts (2 of 4 stars). 3 submissions from 3 submitters: Likely benign (3). Last evaluated 2023-07-19.

Conditions:
Deficiency of aromatic-L-amino-acid decarboxylase. Also called: Aromatic L-Amino Acid Decarboxylase Deficiency; Aromatic amino acid decarboxylase deficiency; AADC DEFICIENCY; DDC DEFICIENCY; DOPA DECARBOXYLASE DEFICIENCY. Identifiers: Orphanet 35708, MedGen C1291564, MONDO:0012084, OMIM 608643.

Allele frequency attached by ClinVar (database versions not stated): ExAC 0.00001; TOPMed 0.00001; gnomAD 0.00002; 1000 Genomes Project 30x 0.00016; 1000 Genomes Project 0.00020.
gnomAD v4.1: 8 of 1,614,226 alleles (0.0005%); highest among the groups gnomAD compares: South Asian, 0.0033%; no homozygotes.

Submissions (3):

Labcorp Genetics (formerly Invitae), Labcorp
Classification: Likely benign for Deficiency of aromatic-L-amino-acid decarboxylase. Last evaluated: 2023-07-19. Review status: criteria provided, single submitter. Criteria: Invitae Variant Classification Sherloc (09022015). Collection method: clinical testing. Allele origin: germline.

CeGaT Center for Human Genetics Tuebingen
Classification: Likely benign. Last evaluated: 2022-05-01. Review status: criteria provided, single submitter. Criteria: CeGaT Center For Human Genetics Tuebingen Variant Classification Criteria Version 2. Collection method: clinical testing. Allele origin: germline. Affected: yes. Observed: 1 variant allele.
Comment: DDC: BP4, BP7

Blueprint Genetics
Classification: Likely benign. Last evaluated: 2021-12-01. Review status: criteria provided, single submitter. Criteria: ACMG Guidelines, 2015. Collection method: clinical testing. Allele origin: germline.

NM_001082971.2(DDC):c.1377T>C (p.His459=)

Gene: DDC (dopa decarboxylase; minus strand). Cytogenetic location: 7p12.2.
Variant type: single nucleotide variant.
Coding change: c.1377T>C on transcript NM_001082971.2 (MANE Select); coding-DNA position 1377, T replaced by C.
Protein change: p.His459=; no amino-acid change (histidine 459 retained).
Molecular consequence: synonymous variant.
Genome position (GRCh38, 1-based): chr7:50,463,297, A>G on the plus strand (T>C on the coding strand, the complement: DDC is on the minus strand). VCF-style: chr7-50463297-A-G. GRCh37 (hg19) VCF-style: chr7-50530995-A-G.
Other names: c.1377T>C, p.His459= (NM_000790.4); c.1263T>C, p.His421= (NM_001242886.2); c.1233T>C, p.His411= (NM_001242887.2); c.1143T>C, p.His381= (NM_001242888.2); c.1098T>C, p.His366= (NM_001242889.2).
Identifiers: ClinVar variation 2187541 (VCV002187541.29), dbSNP rs190468400, ClinGen allele CA4261980.